The following is an entry in ClinVar:

NM_018489.3(ASH1L):c.891A>G (p.Val297=)

Gene: ASH1L (ASH1 like histone lysine methyltransferase; minus strand). Cytogenetic location: 1q22.
Variant type: single nucleotide variant.
Coding change: c.891A>G on transcript NM_018489.3 (MANE Select); coding-DNA position 891, A replaced by G.
Protein change: p.Val297=; no amino-acid change (valine 297 retained).
Molecular consequence: synonymous variant.
Genome position (GRCh38, 1-based): chr1:155,481,979, T>C on the plus strand (A>G on the coding strand, the complement: ASH1L is on the minus strand). VCF-style: chr1-155481979-T-C. GRCh37 (hg19) VCF-style: chr1-155451770-T-C.
Other names: c.891A>G, p.Val297= (NM_001366177.2).
Identifiers: ClinVar variation 737825 (VCV000737825.28), dbSNP rs200853973, ClinGen allele CA1147421.

ClinVar aggregate classification (germline): Benign. Review status: criteria provided, multiple submitters, no conflicts (2 of 4 stars). 3 submissions from 3 submitters: Benign (2). 1 of the submissions does not count toward it. Last evaluated 2022-11-01.

Conditions:
ASH1L-related disorder. Also called: ASH1L-related condition.

Allele frequency attached by ClinVar (database versions not stated): gnomAD 0.00004 and 0.00044; ESP Exome Variant Server 0.00008; TOPMed 0.00011; gnomAD exomes 0.00072 and 0.00134; ExAC 0.00154; 1000 Genomes Project 0.00200; 1000 Genomes Project 30x 0.00265.
gnomAD v4.1: 1,124 of 1,614,180 alleles (0.07%); highest among the groups gnomAD compares: South Asian, 1.2%; 11 homozygotes.

Submissions (3):

CeGaT Center for Human Genetics Tuebingen
Classification: Benign. Last evaluated: 2022-11-01. Review status: criteria provided, single submitter. Criteria: CeGaT Center For Human Genetics Tuebingen Variant Classification Criteria Version 2. Collection method: clinical testing. Allele origin: germline. Affected: yes. Observed: 1 variant allele.
Comment: ASH1L: BP4, BP7, BS1, BS2

Labcorp Genetics (formerly Invitae), Labcorp
Classification: Benign. Last evaluated: 2018-05-19. Review status: criteria provided, single submitter. Criteria: Invitae Variant Classification Sherloc (09022015). Collection method: clinical testing. Allele origin: germline.

PreventionGenetics, part of Exact Sciences
Classification: Benign for ASH1L-related condition. Last evaluated: 2021-03-26. Review status: no assertion criteria provided. Collection method: clinical testing. Allele origin: germline. Not counted in ClinVar's aggregate classification.
Comment: This variant is classified as benign based on ACMG/AMP sequence variant interpretation guidelines (Richards et al. 2015 PMID: 25741868, with internal and published modifications).